The following is an entry in ClinVar:

ClinVar aggregate classification (germline): Uncertain significance (1 of 4 stars; one submission).

Submission:

GeneDx
Classification: Uncertain significance. Last evaluated: 2022-05-12. Review status: criteria provided, single submitter. Criteria: GeneDx Variant Classification Process June 2021. Collection method: clinical testing. Allele origin: germline. Affected: yes.
Comment: Not observed at significant frequency in large population cohorts (gnomAD); In silico analysis supports that this missense variant does not alter protein structure/function; Has not been previously published as pathogenic or benign to our knowledge

NM_001273.5(CHD4):c.4642G>T (p.Asp1548Tyr)

Genes: CHD4 (chromodomain helicase DNA binding protein 4; minus strand), CHD4-AS1 (CHD4 antisense RNA 1; plus strand). Cytogenetic location: 12p13.31.
Variant type: single nucleotide variant.
Coding change: c.4642G>T on transcript NM_001273.5 (MANE Select); coding-DNA position 4642, G replaced by T.
Protein change: p.Asp1548Tyr; replaces aspartic acid 1548 with tyrosine.
Molecular consequence: missense variant.
Genome position (GRCh38, 1-based): chr12:6,581,688, C>A on the plus strand (G>T on the coding strand, the complement: CHD4 is on the minus strand). VCF-style: chr12-6581688-C-A. GRCh37 (hg19) VCF-style: chr12-6690854-C-A.
Other names: c.4621G>T, p.Asp1541Tyr (NM_001297553.2); c.4603G>T, p.Asp1535Tyr (NM_001363606.2); short protein forms D1535Y, D1541Y, D1548Y.
Identifiers: ClinVar variation 1723677 (VCV001723677.2), dbSNP rs2540380283, ClinGen allele CA383571483.